The following is an entry in ClinVar:

NM_001201543.2(FAM161A):c.658C>T (p.His220Tyr)

Gene: FAM161A (FAM161 centrosomal protein A; minus strand). Cytogenetic location: 2p15.
Variant type: single nucleotide variant.
Coding change: c.658C>T on transcript NM_001201543.2 (MANE Select); coding-DNA position 658, C replaced by T.
Protein change: p.His220Tyr; replaces histidine 220 with tyrosine.
Molecular consequence: missense variant. On other transcripts: non-coding transcript variant (1).
Genome position (GRCh38, 1-based): chr2:61,840,346, G>A on the plus strand (C>T on the coding strand, the complement: FAM161A is on the minus strand). VCF-style: chr2-61840346-G-A. GRCh37 (hg19) VCF-style: chr2-62067481-G-A.
Other names: c.658C>T, p.His220Tyr (NM_032180.3); short protein forms H220Y.
Identifiers: ClinVar variation 1999899 (VCV001999899.4), dbSNP rs2466027871, ClinGen allele CA346988671.

ClinVar aggregate classification (germline): Uncertain significance (1 of 4 stars; one submission).

Submission:

Labcorp Genetics (formerly Invitae), Labcorp
Classification: Uncertain significance. Last evaluated: 2022-05-28. Review status: criteria provided, single submitter. Criteria: Invitae Variant Classification Sherloc (09022015). Collection method: clinical testing. Allele origin: germline.
Comment: In summary, the available evidence is currently insufficient to determine the role of this variant in disease. Therefore, it has been classified as a Variant of Uncertain Significance. Algorithms developed to predict the effect of missense changes on protein structure and function (SIFT, PolyPhen-2, Align-GVGD) all suggest that this variant is likely to be tolerated. This variant has not been reported in the literature in individuals affected with FAM161A-related conditions. This variant is not present in population databases (gnomAD no frequency). This sequence change replaces histidine, which is basic and polar, with tyrosine, which is neutral and polar, at codon 220 of the FAM161A protein (p.His220Tyr).